The following is an entry in ClinVar:

NM_000059.4(BRCA2):c.8956dup (p.Ile2986fs)

Gene: BRCA2 (BRCA2 DNA repair associated; plus strand). Cytogenetic location: 13q13.1.
Variant type: Duplication.
Coding change: c.8956dup on transcript NM_000059.4 (MANE Select); coding-DNA position 8956, one base duplicated (A; older notation c.8956dupA).
Protein change: p.Ile2986fs; shifts the reading frame from isoleucine 2986.
Molecular consequence: frameshift variant.
Genome position (GRCh38, 1-based): chr13:32,379,752, A duplicated. VCF-style (leftmost placement, unchanged base first): chr13-32379751-T-TA. GRCh37 (hg19) VCF-style: chr13-32953888-T-TA.
Other names: c.8956dupA (NM_000059.3); short protein forms I2986fs.
Identifiers: ClinVar variation 52713 (VCV000052713.14), dbSNP rs397508024, ClinGen allele CA025898.

ClinVar aggregate classification (germline): Pathogenic. Review status: reviewed by expert panel (3 of 4 stars). 5 submissions from 5 submitters: Pathogenic (1). 4 of the submissions do not count toward it. Last evaluated 2017-12-15.

Conditions:
Hereditary cancer-predisposing syndrome. Also called: Neoplastic Syndromes, Hereditary; Hereditary neoplastic syndrome; Tumor predisposition; Hereditary Cancer Syndrome. Identifiers: Orphanet 140162, MedGen C0027672, MeSH D009386, MONDO:0015356.
Hereditary breast ovarian cancer syndrome. Also called: Hereditary breast and/or ovarian cancer syndrome; Hereditary breast and ovarian cancer; Hereditary breast and ovarian cancer syndrome (HBOC); Breast and ovarian cancer; BRCA1- and BRCA2-Associated Hereditary Breast and Ovarian Cancer; Hereditary breast and ovarian cancer syndrome. Identifiers: Orphanet 145, MedGen C0677776, MeSH D061325, MONDO:0003582. Disease mechanism: loss of function.
Breast-ovarian cancer, familial, susceptibility to, 2 (BROVCA2). Also called: BRCA2 Hereditary Breast and Ovarian Cancer. Identifiers: Orphanet 145, MedGen C2675520, MONDO:0012933, OMIM 612555. Disease mechanism: loss of function.
Familial cancer of breast. Also called: Hereditary breast cancer; hereditary breast carcinoma; BREAST CANCER, FAMILIAL. Identifiers: Orphanet 227535, MedGen C0346153, MONDO:0016419, OMIM 114480. Disease mechanism: loss of function.

Allele frequency attached by ClinVar (database versions not stated): gnomAD exomes below 0.00001.

Submissions (5):

Evidence-based Network for the Interpretation of Germline Mutant Alleles (ENIGMA)
Classification: Pathogenic for Breast-ovarian cancer, familial, susceptibility to, 2. Last evaluated: 2017-12-15. Review status: reviewed by expert panel. Criteria: ENIGMA BRCA1/2 Classification Criteria (2017-06-29). Collection method: curation. Allele origin: germline. Study: ENIGMA.
Comment: Variant allele predicted to encode a truncated non-functional protein.

Ambry Genetics
Classification: Pathogenic for Hereditary cancer-predisposing syndrome. Last evaluated: 2026-03-18. Review status: criteria provided, single submitter. Criteria: Ambry Variant Classification Scheme 2023. Collection method: clinical testing. Allele origin: germline. Not counted in ClinVar's aggregate classification.
Comment: The c.8956dupA pathogenic mutation, located in coding exon 22 of the BRCA2 gene, results from a duplication of A at nucleotide position 8956, causing a translational frameshift with a predicted alternate stop codon (p.I2986Nfs*32). This variant is considered to be rare based on population cohorts in the Genome Aggregation Database (gnomAD). This alteration is expected to result in loss of function by premature protein truncation or nonsense-mediated mRNA decay. As such, this alteration is interpreted as a disease-causing mutation.

Labcorp Genetics (formerly Invitae), Labcorp
Classification: Pathogenic for Hereditary breast ovarian cancer syndrome. Last evaluated: 2022-08-16. Review status: criteria provided, single submitter. Criteria: Invitae Variant Classification Sherloc (09022015). Collection method: clinical testing. Allele origin: germline. Not counted in ClinVar's aggregate classification.
Comment: Algorithms developed to predict the effect of sequence changes on RNA splicing suggest that this variant may disrupt the consensus splice site. ClinVar contains an entry for this variant (Variation ID: 52713). This premature translational stop signal has been observed in individual(s) with a personal and/or family history of breast and/or ovarian cancer (PMID: 16683254, 29681614). This variant is not present in population databases (gnomAD no frequency). This sequence change creates a premature translational stop signal (p.Ile2986Asnfs*32) in the BRCA2 gene. It is expected to result in an absent or disrupted protein product. Loss-of-function variants in BRCA2 are known to be pathogenic (PMID: 20104584). For these reasons, this variant has been classified as Pathogenic.

Color Diagnostics, LLC DBA Color Health
Classification: Pathogenic for Hereditary cancer-predisposing syndrome. Last evaluated: 2020-01-15. Review status: criteria provided, single submitter. Criteria: ACMG Guidelines, 2015. Collection method: clinical testing. Allele origin: germline. Not counted in ClinVar's aggregate classification.
Comment: This variant is located in the BRCA2 protein. Splice site prediction tools suggest that this variant may not impact RNA splicing. This variant has not been identified in the general population by the Genome Aggregation Database (gnomAD). Loss of BRCA2 function is a known mechanism of disease. Based on the available evidence, this variant is classified as Pathogenic.

ClinVar Staff, National Center for Biotechnology Information (NCBI)
No classification provided. Condition: Familial cancer of breast. Review status: no classification provided. Collection method: literature only. Allele origin: germline. Affected: yes. Not counted in ClinVar's aggregate classification.

Literature cited by the submitters: PubMed 16683254 (cited by Labcorp Genetics (formerly Invitae), Labcorp and ClinVar Staff, National Center for Biotechnology Information (NCBI)); PubMed 29681614 (cited by Labcorp Genetics (formerly Invitae), Labcorp); PubMed 20104584 (cited by Labcorp Genetics (formerly Invitae), Labcorp).